The following is an entry in ClinVar:

NM_000079.4(CHRNA1):c.235-504A>G

Gene: CHRNA1 (cholinergic receptor nicotinic alpha 1 subunit; minus strand). Cytogenetic location: 2q31.1.
Variant type: single nucleotide variant.
Coding change: c.235-504A>G on transcript NM_000079.4 (MANE Select); 504 bases into the intron before coding-DNA position 235, A replaced by G.
Molecular consequence: intron variant.
Genome position (GRCh38, 1-based): chr2:174,758,179, T>C on the plus strand (A>G on the coding strand, the complement: CHRNA1 is on the minus strand). VCF-style: chr2-174758179-T-C. GRCh37 (hg19) VCF-style: chr2-175622907-T-C.
Other names: c.235-159A>G (NM_001039523.3).
Identifiers: ClinVar variation 679129 (VCV000679129.2), dbSNP rs2600687, ClinGen allele CA16119464.

ClinVar aggregate classification (germline): Benign. Review status: criteria provided, multiple submitters, no conflicts (2 of 4 stars). 2 submissions from 2 submitters: Benign (2). Last evaluated 2018-06-16.

Allele frequency attached by ClinVar (database versions not stated): TOPMed 0.87758; gnomAD 0.87869 and 0.88456; 1000 Genomes Project 30x 0.89944; 1000 Genomes Project 0.90216.

Submissions (2):

GeneDx
Classification: Benign. Last evaluated: 2018-06-16. Review status: criteria provided, single submitter. Criteria: GeneDx Variant Classification (06012015). Collection method: clinical testing. Allele origin: germline. Affected: yes.
Comment: This variant is considered likely benign or benign based on one or more of the following criteria: it is a conservative change, it occurs at a poorly conserved position in the protein, it is predicted to be benign by multiple in silico algorithms, and/or has population frequency not consistent with disease.

Breakthrough Genomics
Classification: Benign. Review status: criteria provided, single submitter. Criteria: ACMG Guidelines, 2015. Collection method: not provided. Allele origin: germline. Inheritance: Autosomal recessive inheritance. Affected: yes.